The following is an entry in ClinVar:

ClinVar aggregate classification (germline): Uncertain significance (1 of 4 stars; one submission).

Conditions:
CHARGE syndrome (CHARGE). Also called: Hittner Hirsch Kreh syndrome; Coloboma, heart anomaly, choanal atresia, retardation, genital and ear anomalies; CHARGE association; Hall-Hittner syndrome; CHARGE ASSOCIATION--COLOBOMA, HEART ANOMALY, CHOANAL ATRESIA, RETARDATION, GENITAL AND EAR ANOMALIES. Identifiers: Orphanet 138, MedGen C0265354, MONDO:0008965.

Submission:

Labcorp Genetics (formerly Invitae), Labcorp
Classification: Uncertain significance for CHARGE association. Last evaluated: 2019-11-15. Review status: criteria provided, single submitter. Criteria: Invitae Variant Classification Sherloc (09022015). Collection method: clinical testing. Allele origin: germline.
Comment: This sequence change replaces glutamine with leucine at codon 535 of the CHD7 protein (p.Gln535Leu). The glutamine residue is highly conserved and there is a moderate physicochemical difference between glutamine and leucine. This variant is not present in population databases (ExAC no frequency). This variant has not been reported in the literature in individuals with CHD7-related conditions. Algorithms developed to predict the effect of missense changes on protein structure and function (SIFT, PolyPhen-2, Align-GVGD) all suggest that this variant is likely to be tolerated, but these predictions have not been confirmed by published functional studies and their clinical significance is uncertain. In summary, the available evidence is currently insufficient to determine the role of this variant in disease. Therefore, it has been classified as a Variant of Uncertain Significance.

NM_017780.4(CHD7):c.1604A>T (p.Gln535Leu)

Gene: CHD7 (chromodomain helicase DNA binding protein 7; plus strand). Cytogenetic location: 8q12.2.
Variant type: single nucleotide variant.
Coding change: c.1604A>T on transcript NM_017780.4 (MANE Select); coding-DNA position 1604, A replaced by T.
Protein change: p.Gln535Leu; replaces glutamine 535 with leucine.
Molecular consequence: missense variant.
Genome position (GRCh38, 1-based): chr8:60,743,036, A>T. VCF-style: chr8-60743036-A-T. GRCh37 (hg19) VCF-style: chr8-61655595-A-T.
Other names: c.1604A>T, p.Gln535Leu (NM_001316690.1); short protein forms Q535L.
Identifiers: ClinVar variation 963886 (VCV000963886.1), dbSNP rs1809137397, ClinGen allele CA371303652.